The following is an entry in ClinVar:

ClinVar aggregate classification (germline): Likely benign. Review status: criteria provided, multiple submitters, no conflicts (2 of 4 stars). 3 submissions from 3 submitters: Likely benign (2). 1 of the submissions does not count toward it. Last evaluated 2026-01-26.

Conditions:
INVS-related disorder. Also called: INVS-related condition.
Nephronophthisis. Also called: Juvenile Nephronophthisis. Identifiers: Orphanet 655, MedGen C0687120, MONDO:0019005, HP:0000090.

Allele frequency attached by ClinVar (database versions not stated): gnomAD exomes 0.00001 and 0.00005; ExAC 0.00003; gnomAD 0.00003 and 0.00004; TOPMed 0.00004.
gnomAD v4.1: 27 of 1,613,654 alleles (0.0017%); highest among the groups gnomAD compares: Admixed American, 0.025%; no homozygotes.

Submissions (3):

Labcorp Genetics (formerly Invitae), Labcorp
Classification: Likely benign for Nephronophthisis. Last evaluated: 2026-01-26. Review status: criteria provided, single submitter. Criteria: Invitae Variant Classification Sherloc (09022015). Collection method: clinical testing. Allele origin: germline.

Blueprint Genetics
Classification: Likely benign. Last evaluated: 2024-10-16. Review status: criteria provided, single submitter. Criteria: ACMG Guidelines, 2015. Collection method: clinical testing. Allele origin: germline.

PreventionGenetics, part of Exact Sciences
Classification: Likely benign for INVS-related condition. Last evaluated: 2021-04-19. Review status: no assertion criteria provided. Collection method: clinical testing. Allele origin: germline. Not counted in ClinVar's aggregate classification.
Comment: This variant is classified as likely benign based on ACMG/AMP sequence variant interpretation guidelines (Richards et al. 2015 PMID: 25741868, with internal and published modifications).

NM_014425.5(INVS):c.972A>G (p.Thr324=)

Gene: INVS (inversin; plus strand). Cytogenetic location: 9q31.1.
Variant type: single nucleotide variant.
Coding change: c.972A>G on transcript NM_014425.5 (MANE Select); coding-DNA position 972, A replaced by G.
Protein change: p.Thr324=; no amino-acid change (threonine 324 retained).
Molecular consequence: synonymous variant. On other transcripts: 5 prime UTR variant (1), non-coding transcript variant (1).
Genome position (GRCh38, 1-based): chr9:100,246,681, A>G. VCF-style: chr9-100246681-A-G. GRCh37 (hg19) VCF-style: chr9-103008963-A-G.
Other names: c.684A>G, p.Thr228= (NM_001318381.2); c.-7A>G (NM_001318382.2); c.972A>G (NM_014425.4).
Identifiers: ClinVar variation 1147835 (VCV001147835.12), dbSNP rs779527994, ClinGen allele CA5158299.
Genomic context (GRCh38, chr9:100,246,681, plus strand): 5'-GGTTAAAGTGTTTTTAAAACATCCTTCAGTGAAAGATGATTCAGACCTGGAAGGAAGAAC[A>G]TCCTTTATGTGGGCAGCTGGCAAAGGCAGTGATGATGTCCTTAGAACTATGCTGAGCTTA-3'
Protein context (NP_055240.2, residues 314-334): VKDDSDLEGR[Thr324=]SFMWAAGKGS